The following is an entry in ClinVar:

NM_001184880.2(PCDH19):c.853_854dup (p.Glu287fs)

Gene: PCDH19 (protocadherin 19; minus strand). Cytogenetic location: Xq22.1.
Variant type: Duplication.
Coding change: c.853_854dup on transcript NM_001184880.2 (MANE Select); coding-DNA positions 853 to 854, 2 bases duplicated (AC; older notation c.853_854dupAC).
Protein change: p.Glu287fs; shifts the reading frame from glutamic acid 287.
Molecular consequence: frameshift variant.
Genome position (GRCh38, 1-based): chrX:100,407,744-100,407,745, GT duplicated on the plus strand (AC on the coding strand, the reverse complement: PCDH19 is on the minus strand); duplicating any 2 consecutive bases within chrX:100,407,744-100,407,746 gives the same sequence; the c. name uses the placement nearest the transcript's 3' end. VCF-style (leftmost placement, unchanged base first): chrX-100407743-C-CGT. GRCh37 (hg19) VCF-style: chrX-99662741-C-CGT.
Other names: c.853_854dup, p.Glu287fs (NM_001105243.2, NM_020766.3); short protein forms E287fs.
Identifiers: ClinVar variation 976324 (VCV000976324.1), dbSNP rs1928424117, ClinGen allele CA1139667044.
Genomic context (GRCh38, chrX:100,407,743, plus strand): 5'-GTCTAAAGCGCCAGTGACAGTGACCAGGCCACTGTGCGGGTCGATCTGAAAGAGCTCGCG[C>CGT]GTGCGGTCGTTGACGTAGCCATAGAAGGAGTAGACCACCTGGCCGTTGGTGCCCTCGTCT-3'

ClinVar aggregate classification (germline): Pathogenic (1 of 4 stars; one submission).

Conditions:
Developmental and epileptic encephalopathy, 9 (DEE9). Also called: Early infantile epileptic encephalopathy 9; EPILEPSY, FEMALE-RESTRICTED, WITH MENTAL RETARDATION; JUBERG-HELLMAN SYNDROME; PCDH19-Related X-Linked Female-Limited Epilepsy with Mental Retardation. Identifiers: Orphanet 101039, Orphanet 2076, MedGen C1848137, MONDO:0010246, OMIM 300088. Disease mechanism: loss of function.

Submission:

Institute of Human Genetics, University of Leipzig Medical Center
Classification: Pathogenic for Developmental and epileptic encephalopathy, 9. Last evaluated: 2019-05-14. Review status: criteria provided, single submitter. Criteria: ACMG Guidelines, 2015. Collection method: clinical testing. Allele origin: de novo. Affected: yes. Observed: 1 variant allele.
Comment: This variant was identified as de novo (maternity and paternity confirmed).